The following is an entry in ClinVar:

ClinVar aggregate classification (germline): Uncertain significance (1 of 4 stars; one submission).

Conditions:
Progressive microcephaly-seizures-cortical blindness-developmental delay syndrome. Also called: Seizures, cortical blindness, and microcephaly syndrome. Identifiers: Orphanet 477814, MedGen C5567650, MONDO:0014714, OMIM 616632.
Autosomal dominant nonsyndromic hearing loss 1. Also called: KONIGSMARK SYNDROME; DEAFNESS, AUTOSOMAL DOMINANT 1, WITH OR WITHOUT THROMBOCYTOPENIA. Identifiers: Orphanet 90635, MedGen C1852282, MONDO:0007424, OMIM 124900.

Allele frequency attached by ClinVar (database versions not stated): gnomAD exomes 0.00001.
gnomAD v4.1: 10 of 1,614,150 alleles (0.00062%); highest among the groups gnomAD compares: Non-Finnish European, 0.00085%; no homozygotes.

Submission:

Labcorp Genetics (formerly Invitae), Labcorp
Classification: Uncertain significance for Progressive microcephaly-seizures-cortical blindness-developmental delay syndrome; Autosomal dominant nonsyndromic hearing loss 1. Last evaluated: 2024-08-08. Review status: criteria provided, single submitter. Criteria: Invitae Variant Classification Sherloc (09022015). Collection method: clinical testing. Allele origin: germline.
Comment: This sequence change replaces lysine, which is basic and polar, with arginine, which is basic and polar, at codon 1103 of the DIAPH1 protein (p.Lys1103Arg). This variant is not present in population databases (gnomAD no frequency). This variant has not been reported in the literature in individuals affected with DIAPH1-related conditions. ClinVar contains an entry for this variant (Variation ID: 1717069). An algorithm developed to predict the effect of missense changes on protein structure and function (PolyPhen-2) suggests that this variant is likely to be disruptive. In summary, the available evidence is currently insufficient to determine the role of this variant in disease. Therefore, it has been classified as a Variant of Uncertain Significance.

NM_005219.5(DIAPH1):c.3308A>G (p.Lys1103Arg)

Gene: DIAPH1 (diaphanous related formin 1; minus strand). Cytogenetic location: 5q31.3.
Variant type: single nucleotide variant.
Coding change: c.3308A>G on transcript NM_005219.5 (MANE Select); coding-DNA position 3308, A replaced by G.
Protein change: p.Lys1103Arg; replaces lysine 1103 with arginine.
Molecular consequence: missense variant.
Genome position (GRCh38, 1-based): chr5:141,526,427, T>C on the plus strand (A>G on the coding strand, the complement: DIAPH1 is on the minus strand). VCF-style: chr5-141526427-T-C. GRCh37 (hg19) VCF-style: chr5-140905994-T-C.
Other names: c.3281A>G, p.Lys1094Arg (NM_001079812.3); c.3308A>G, p.Lys1103Arg (NM_001314007.2); short protein forms K1094R, K1103R.
Identifiers: ClinVar variation 1717069 (VCV001717069.5), dbSNP rs2513618981, ClinGen allele CA361579160.
Genomic context (GRCh38, chr5:141,526,427, plus strand): 5'-AGGAAGTACTCGCCCAGCTCCTTATAGAGGGTCTCCATGTTAGAATGCATCATCCGCAGC[T>C]TGTTATACTGTTCCTGTGCATCCTTCACAAAGCTGTGCAGCCAAGGAGTAAAGGACCAAG-3'
Protein context (NP_005210.3, residues 1093-1113): FVKDAQEQYN[Lys1103Arg]LRMMHSNMET